The following is an entry in ClinVar:

ClinVar aggregate classification (germline): Uncertain significance. Review status: criteria provided, multiple submitters, no conflicts (2 of 4 stars). 3 submissions from 3 submitters: Uncertain significance (3). Last evaluated 2025-06-10.

Conditions:
Inborn genetic diseases. Identifiers: MedGen C0950123, MeSH D030342.

Allele frequency attached by ClinVar (database versions not stated): ExAC 0.00001; gnomAD 0.00001; gnomAD exomes 0.00002; TOPMed 0.00005; ESP Exome Variant Server 0.00008.
gnomAD v4.1: 21 of 1,613,256 alleles (0.0013%); highest among the groups gnomAD compares: African/African-American, 0.0027%; no homozygotes.

Submissions (3):

Ambry Genetics
Classification: Uncertain significance for Inborn genetic diseases. Last evaluated: 2025-06-10. Review status: criteria provided, single submitter. Criteria: Ambry Variant Classification Scheme 2023. Collection method: clinical testing. Allele origin: germline.

Blueprint Genetics
Classification: Uncertain significance. Last evaluated: 2022-11-29. Review status: criteria provided, single submitter. Criteria: ACMG Guidelines, 2015. Collection method: clinical testing. Allele origin: germline.

Labcorp Genetics (formerly Invitae), Labcorp
Classification: Uncertain significance. Last evaluated: 2021-08-13. Review status: criteria provided, single submitter. Criteria: Invitae Variant Classification Sherloc (09022015). Collection method: clinical testing. Allele origin: germline.
Comment: This sequence change replaces glutamic acid with lysine at codon 922 of the RBP3 protein (p.Glu922Lys). The glutamic acid residue is highly conserved and there is a small physicochemical difference between glutamic acid and lysine. This variant is present in population databases (rs141749618, ExAC 0.002%). This variant has not been reported in the literature in individuals affected with RBP3-related conditions. Algorithms developed to predict the effect of missense changes on protein structure and function (SIFT, PolyPhen-2, Align-GVGD) all suggest that this variant is likely to be tolerated. In summary, the available evidence is currently insufficient to determine the role of this variant in disease. Therefore, it has been classified as a Variant of Uncertain Significance.

NM_002900.3(RBP3):c.2764G>A (p.Glu922Lys)

Gene: RBP3 (retinol binding protein 3; plus strand). Cytogenetic location: 10q11.22.
Variant type: single nucleotide variant.
Coding change: c.2764G>A on transcript NM_002900.3 (MANE Select); coding-DNA position 2764, G replaced by A.
Protein change: p.Glu922Lys; replaces glutamic acid 922 with lysine.
Molecular consequence: missense variant.
Genome position (GRCh38, 1-based): chr10:47,351,248, G>A. VCF-style: chr10-47351248-G-A. GRCh37 (hg19) VCF-style: chr10-48388114-C-T.
Other names: c.2764G>A (NM_002900.2); short protein forms E922K.
Identifiers: ClinVar variation 1498040 (VCV001498040.7), dbSNP rs141749618, ClinGen allele CA5487206.
Genomic context (GRCh38, chr10:47,351,248, plus strand): 5'-ACCACAGGCAAGGCCTGGGACCTGGCTGGTGTGGAGCCCGACATCACTGTGCCCATGAGC[G>A]AAGCCCTTTCCATAGCCCAGGACATAGTGGCTCTGCGTGCCAAGGTGCCCACGGTGCTGC-3'
Protein context (NP_002891.1, residues 912-932): VEPDITVPMS[Glu922Lys]ALSIAQDIVA